The following is an entry in ClinVar:

NM_170707.4(LMNA):c.1316_1322del (p.Arg439fs)

Gene: LMNA (lamin A/C; plus strand). Cytogenetic location: 1q22.
Variant type: Deletion.
Coding change: c.1316_1322del on transcript NM_170707.4 (MANE Select); coding-DNA positions 1316 to 1322, 7 bases deleted (GCGTGGC; older notation c.1316_1322delGCGTGGC).
Protein change: p.Arg439fs; shifts the reading frame from arginine 439.
Molecular consequence: frameshift variant.
Genome position (GRCh38, 1-based): chr1:156,136,372-156,136,378, GCGTGGC deleted; deleting any 7 consecutive bases within chr1:156,136,369-156,136,378 gives the same sequence; the c. name uses the placement nearest the transcript's 3' end. VCF-style (leftmost placement, unchanged base first): chr1-156136368-GGGCGCGT-G. GRCh37 (hg19) VCF-style: chr1-156106159-GGGCGCGT-G.
Other names: c.980_986del, p.Arg327fs (NM_001257374.3); c.1073_1079del, p.Arg358fs (NM_001282624.2); c.1316_1322del, p.Arg439fs (NM_001282625.2, NM_001282626.2, NM_005572.4 and 1 more transcripts); c.1316_1322delGCGTGGC, p.Arg439Profs (NM_001406983.1, NM_001406984.1, NM_001406985.1 and 2 more transcripts); c.1073_1079delGCGTGGC, p.Arg358Profs (NM_001406986.1, NM_001406987.1); c.1019_1025delGCGTGGC, p.Arg340Profs (NM_001406988.1); c.980_986delGCGTGGC, p.Arg327Profs (NM_001406989.1, NM_001406998.1); c.758_764delGCGTGGC, p.Arg253Profs (NM_001406990.1, NM_001406993.1, NM_001406995.1 and 4 more transcripts); and 1 more; short protein forms R358fs, R327fs, R439fs.
Identifiers: ClinVar variation 2112104 (VCV002112104.4), dbSNP rs2527999623, ClinGen allele CA2580061198.

ClinVar aggregate classification (germline): Pathogenic (1 of 4 stars; one submission).

Conditions:
Charcot-Marie-Tooth disease type 2. Also called: Charcot-Marie-Tooth type 2. Identifiers: Orphanet 64746, MedGen C0270914, MONDO:0018993.

Submission:

Labcorp Genetics (formerly Invitae), Labcorp
Classification: Pathogenic for Charcot-Marie-Tooth disease type 2. Last evaluated: 2022-03-14. Review status: criteria provided, single submitter. Criteria: Invitae Variant Classification Sherloc (09022015). Collection method: clinical testing. Allele origin: germline.
Comment: For these reasons, this variant has been classified as Pathogenic. This variant has not been reported in the literature in individuals affected with LMNA-related conditions. This variant is not present in population databases (gnomAD no frequency). This sequence change creates a premature translational stop signal (p.Arg439Profs*39) in the LMNA gene. It is expected to result in an absent or disrupted protein product. Loss-of-function variants in LMNA are known to be pathogenic (PMID: 18585512, 18926329).

Literature cited by the submitters: PubMed 18585512; PubMed 18926329.